The following is an entry in ClinVar:

ClinVar aggregate classification (germline): Uncertain significance (1 of 4 stars; one submission).

gnomAD v4.1: 19 of 1,538,172 alleles (0.0012%); highest among the groups gnomAD compares: African/African-American, 0.017%; no homozygotes.

Submission:

Labcorp Genetics (formerly Invitae), Labcorp
Classification: Uncertain significance. Last evaluated: 2024-11-04. Review status: criteria provided, single submitter. Criteria: Invitae Variant Classification Sherloc (09022015). Collection method: clinical testing. Allele origin: germline.
Comment: This sequence change replaces glycine, which is neutral and non-polar, with arginine, which is basic and polar, at codon 168 of the SLC30A10 protein (p.Gly168Arg). This variant is present in population databases (rs550277096, gnomAD 0.02%). This variant has not been reported in the literature in individuals affected with SLC30A10-related conditions. ClinVar contains an entry for this variant (Variation ID: 2074649). Invitae Evidence Modeling of protein sequence and biophysical properties (such as structural, functional, and spatial information, amino acid conservation, physicochemical variation, residue mobility, and thermodynamic stability) indicates that this missense variant is not expected to disrupt SLC30A10 protein function with a negative predictive value of 80%. In summary, the available evidence is currently insufficient to determine the role of this variant in disease. Therefore, it has been classified as a Variant of Uncertain Significance.

NM_018713.3(SLC30A10):c.502G>C (p.Gly168Arg)

Gene: SLC30A10 (solute carrier family 30 member 10; minus strand). Cytogenetic location: 1q41.
Variant type: single nucleotide variant.
Coding change: c.502G>C on transcript NM_018713.3 (MANE Select); coding-DNA position 502, G replaced by C.
Protein change: p.Gly168Arg; replaces glycine 168 with arginine.
Molecular consequence: missense variant. On other transcripts: non-coding transcript variant (1), intron variant (1).
Genome position (GRCh38, 1-based): chr1:219,927,939, C>G on the plus strand (G>C on the coding strand, the complement: SLC30A10 is on the minus strand). VCF-style: chr1-219927939-C-G. GRCh37 (hg19) VCF-style: chr1-220101281-C-G.
Other names: c.-212G>C (NM_001416005.1); c.452-834G>C (NM_001376929.1); short protein forms G168R.
Identifiers: ClinVar variation 2074649 (VCV002074649.4), dbSNP rs550277096, ClinGen allele CA1399313.